The following is an entry in ClinVar:

NM_022841.7(RFX7):c.1925_1927dup (p.Gly642_Asp643insGly)

Gene: RFX7 (regulatory factor X7; minus strand). Cytogenetic location: 15q21.3.
Variant type: Duplication.
Coding change: c.1925_1927dup on transcript NM_022841.7 (MANE Select); coding-DNA positions 1925 to 1927, 3 bases duplicated (GTG; older notation c.1925_1927dupGTG).
Protein change: p.Gly642_Asp643insGly.
Molecular consequence: inframe insertion.
Genome position (GRCh38, 1-based): chr15:56,095,801-56,095,803, CAC duplicated on the plus strand (GTG on the coding strand, the reverse complement: RFX7 is on the minus strand); duplicating any 3 consecutive bases within chr15:56,095,801-56,095,805 gives the same sequence; the c. name uses the placement nearest the transcript's 3' end. VCF-style (leftmost placement, unchanged base first): chr15-56095800-T-TCAC. GRCh37 (hg19) VCF-style: chr15-56387998-T-TCAC.
Other names: c.1634_1636dup, p.Gly545_Asp546insGly (NM_001368073.2, NM_001368074.1, NM_001370554.1); c.1925_1927dup, p.Gly642_Asp643insGly (NM_001370561.1); c.1925_1927dupGTG (NM_022841.7).
Identifiers: ClinVar variation 4689180 (VCV004689180.1).

ClinVar aggregate classification (germline): Uncertain significance (1 of 4 stars; one submission).

Submission:

Women's Health and Genetics/Laboratory Corporation of America, LabCorp
Classification: Uncertain significance. Last evaluated: 2026-01-21. Review status: criteria provided, single submitter. Criteria: LabCorp Variant Classification Summary - May 2015. Collection method: clinical testing. Allele origin: germline.
Comment: Variant summary: RFX7 c.1925_1927dupGTG (p.Gly642dup) results in an in-frame duplication that is predicted to duplicate one amino acid into the encoded protein. The variant was absent in 248140 control chromosomes. The available data on variant occurrences in the general population are insufficient to allow any conclusion about variant significance. To our knowledge, no occurrence of c.1925_1927dupGTG in individuals affected with RFX7-related conditions and no experimental evidence demonstrating its impact on protein function have been reported. No submitters have cited clinical-significance assessments for this variant to ClinVar. Based on the evidence outlined above, the variant was classified as uncertain significance.